The following is an entry in ClinVar:

NM_000138.5(FBN1):c.1721A>G (p.Asp574Gly)

Gene: FBN1 (fibrillin 1; minus strand). Cytogenetic location: 15q21.1.
Variant type: single nucleotide variant.
Coding change: c.1721A>G on transcript NM_000138.5 (MANE Select); coding-DNA position 1721, A replaced by G.
Protein change: p.Asp574Gly; replaces aspartic acid 574 with glycine.
Molecular consequence: missense variant.
Genome position (GRCh38, 1-based): chr15:48,508,698, T>C on the plus strand (A>G on the coding strand, the complement: FBN1 is on the minus strand). VCF-style: chr15-48508698-T-C. GRCh37 (hg19) VCF-style: chr15-48800895-T-C.
Other names: short protein forms D574G.
Identifiers: ClinVar variation 618124 (VCV000618124.13), dbSNP rs1566914907, ClinGen allele CA392340682.

ClinVar aggregate classification (germline): Conflicting classifications of pathogenicity. Review status: criteria provided, conflicting classifications (1 of 4 stars). 4 submissions from 4 submitters: Likely pathogenic (2); Uncertain significance (2). Last evaluated 2023-03-03.

Conditions:
Weill-Marchesani syndrome 2, dominant. Also called: Weill-Marchesani Syndrome, Autosomal Dominant; FBN1-Related Weill-Marchesani Syndrome. Identifiers: Orphanet 2084, MedGen C1869115, MONDO:0012013, OMIM 608328.
Progeroid and marfanoid aspect-lipodystrophy syndrome. Also called: Marfan lipodystrophy syndrome; MARFANOID-PROGEROID SYNDROME; MARFAN-PROGEROID-LIPODYSTROPHY SYNDROME; MARFANOID-PROGEROID-LIPODYSTROPHY SYNDROME. Identifiers: Orphanet 300382, MedGen C4310796, MONDO:0014831, OMIM 616914.
Stiff skin syndrome (SSKS). Identifiers: Orphanet 2833, MedGen C1861456, MONDO:0008492, OMIM 184900.
Acromicric dysplasia (ACMICD). Also called: Acromicric skeletal dysplasia. Identifiers: Orphanet 969, MedGen C0265287, MONDO:0007055, OMIM 102370.
Geleophysic dysplasia 2 (GPHYSD2). Identifiers: Orphanet 2623, MedGen C3280054, MONDO:0013612, OMIM 614185.
Ectopia lentis 1, isolated, autosomal dominant (ECTOL1). Identifiers: Orphanet 1885, MedGen C3541518, MONDO:0007514, OMIM 129600.
Marfan syndrome (MFS). Also called: FBN1-Related Marfan Syndrome; Marfan syndrome type 1; Marfan's syndrome; Marfan syndrome, classic; MARFAN SYNDROME, TYPE I. Identifiers: Orphanet 284963, Orphanet 558, MedGen C0024796, MONDO:0007947, OMIM 154700.
MASS syndrome (OCTD). Also called: MASS PHENOTYPE; OVERLAP CONNECTIVE TISSUE DISEASE. Identifiers: MedGen C1858556, MONDO:0011431, OMIM 604308.
Familial thoracic aortic aneurysm and aortic dissection (TAAD). Also called: Thoracic aortic aneurysms and dissections. Identifiers: Orphanet 91387, MedGen C4707243, MONDO:0019625.
FBN1-related disorder. Also called: FBN1-related disorders.

Submissions (4):

CHEO Genetics Diagnostic Laboratory, Children's Hospital of Eastern Ontario
Classification: Uncertain significance for Familial thoracic aortic aneurysm and aortic dissection. Last evaluated: 2023-03-03. Review status: criteria provided, single submitter. Criteria: ACMG Guidelines, 2015. Collection method: clinical testing. Allele origin: germline.

Department of Pathology and Laboratory Medicine, Sinai Health System
Classification: Uncertain significance for Acromicric dysplasia; Ectopia lentis 1, isolated, autosomal dominant; Marfan syndrome; Stiff skin syndrome; MASS syndrome; Weill-Marchesani syndrome 2, dominant; Geleophysic dysplasia 2; Progeroid and marfanoid aspect-lipodystrophy syndrome. Last evaluated: 2022-11-08. Review status: criteria provided, single submitter. Criteria: ACMG Guidelines, 2015. Collection method: research. Allele origin: germline.

Blueprint Genetics
Classification: Likely pathogenic for FBN1-related disorders. Last evaluated: 2019-10-28. Review status: criteria provided, single submitter. Criteria: ACMG Guidelines, 2015. Collection method: clinical testing. Allele origin: germline. Affected: yes. Observed: 2 variant alleles.

ARUP Laboratories, Molecular Genetics and Genomics, ARUP Laboratories
Classification: Likely pathogenic. Last evaluated: 2018-06-15. Review status: criteria provided, single submitter. Criteria: ARUP Molecular Germline Variant Investigation Process. Collection method: clinical testing. Allele origin: germline.
Comment: The FBN1 c.1721A>G; p.Asp574Gly variant has been described in at least one individual with Marfan syndrome (Yoo 2010). It is absent from general population databases (1000 Genomes Project, Exome Variant Server, and Genome Aggregation Database), indicating it is not a common polymorphism. The aspartic acid at codon 574 is highly conserved, and computational algorithms (PolyPhen-2, SIFT) predict that this variant is deleterious. Additionally, this variant affects a conserved residue of the EGF consensus sequence, and the revised Ghent nosology for Marfan syndrome lists this as one of the criteria for classification of a variant as pathogenic (Loeys 2010). Based on available information, this variant is considered likely pathogenic. References: Loeys et al. The revised Ghent nosology for the Marfan syndrome. J. Med. Genet. 2010 47(7): 476-85. Yoo E et al. Clinical and genetic analysis of Korean patients with Marfan syndrome: possible ethnic differences in clinical manifestation. Clin Genet. 2010 Feb;77(2):177-82.